The following is an entry in ClinVar:

ClinVar aggregate classification (germline): Likely benign (1 of 4 stars; one submission).

Conditions:
SHANK3-related disorder. Also called: SHANK3-related condition.

Submission:

PreventionGenetics, part of Exact Sciences
Classification: Likely benign for SHANK3-related condition. Last evaluated: 2024-12-14. Review status: criteria provided, single submitter. Criteria: ACMG Guidelines, 2015. Collection method: clinical testing. Allele origin: germline.
Comment: This variant is classified as likely benign based on ACMG/AMP sequence variant interpretation guidelines (Richards et al. 2015 PMID: 25741868, with internal and published modifications).

NM_001372044.2(SHANK3):c.1020T>C (p.His340=)

Gene: SHANK3 (SH3 and multiple ankyrin repeat domains 3; plus strand). Cytogenetic location: 22q13.33.
Variant type: single nucleotide variant.
Coding change: c.1020T>C on transcript NM_001372044.2 (MANE Select); coding-DNA position 1020, T replaced by C.
Protein change: p.His340=; no amino-acid change (histidine 340 retained).
Molecular consequence: synonymous variant.
Genome position (GRCh38, 1-based): chr22:50,679,338, T>C. VCF-style: chr22-50679338-T-C. GRCh37 (hg19) VCF-style: chr22-51117766-T-C.
Other names: c.795T>C (NM_033517.1).
Identifiers: ClinVar variation 4990522 (VCV004990522.1).